The following is an entry in ClinVar:

ClinVar aggregate classification (germline): Uncertain significance. Review status: criteria provided, multiple submitters, no conflicts (2 of 4 stars). 2 submissions from 2 submitters: Uncertain significance (2). Last evaluated 2026-01-11.

Conditions:
Immunodeficiency 83, susceptibility to viral infections. Identifiers: Orphanet 1930, MedGen C2751803, MONDO:0800187, OMIM 613002.
Encephalopathy, acute, infection-induced (herpes-specific), susceptibility to, 1. Also called: Herpes simplex encephalitis, susceptibility to, 1. Identifiers: Orphanet 1930, MedGen C2750180, MONDO:0024563, OMIM 610551.

Allele frequency attached by ClinVar (database versions not stated): gnomAD exomes 0.00006; gnomAD 0.00011 and 0.00009; TOPMed 0.00008; ExAC 0.00005.
gnomAD v4.1: 76 of 1,613,920 alleles (0.0047%); highest among the groups gnomAD compares: East Asian, 0.04%; no homozygotes.

Submissions (2):

Labcorp Genetics (formerly Invitae), Labcorp
Classification: Uncertain significance for Encephalopathy, acute, infection-induced (herpes-specific), susceptibility to, 1. Last evaluated: 2026-01-11. Review status: criteria provided, single submitter. Criteria: Invitae Variant Classification Sherloc (09022015). Collection method: clinical testing. Allele origin: germline.
Comment: This sequence change replaces alanine, which is neutral and non-polar, with valine, which is neutral and non-polar, at codon 795 of the TLR3 protein (p.Ala795Val). This variant is present in population databases (rs373118024, gnomAD 0.05%). This variant has not been reported in the literature in individuals affected with TLR3-related conditions. ClinVar contains an entry for this variant (Variation ID: 652556). An algorithm developed to predict the effect of missense changes on protein structure and function (PolyPhen-2) suggests that this variant is likely to be disruptive. In summary, the available evidence is currently insufficient to determine the role of this variant in disease. Therefore, it has been classified as a Variant of Uncertain Significance.

Department of Pathology and Laboratory Medicine, Sinai Health System
Classification: Uncertain significance for Immunodeficiency 83, susceptibility to viral infections. Last evaluated: 2021-12-03. Review status: criteria provided, single submitter. Criteria: ACMG Guidelines, 2015. Collection method: research. Allele origin: germline.

NM_003265.3(TLR3):c.2384C>T (p.Ala795Val)

Gene: TLR3 (toll like receptor 3; plus strand). Cytogenetic location: 4q35.1.
Variant type: single nucleotide variant.
Coding change: c.2384C>T on transcript NM_003265.3 (MANE Select); coding-DNA position 2384, C replaced by T.
Protein change: p.Ala795Val; replaces alanine 795 with valine.
Molecular consequence: missense variant.
Genome position (GRCh38, 1-based): chr4:186,084,070, C>T. VCF-style: chr4-186084070-C-T. GRCh37 (hg19) VCF-style: chr4-187005224-C-T.
Other names: short protein forms A795V.
Identifiers: ClinVar variation 652556 (VCV000652556.12), dbSNP rs373118024, ClinGen allele CA3161557.